The following is an entry in ClinVar:

NM_000285.4(PEPD):c.166C>T (p.Arg56Cys)

Gene: PEPD (peptidase D; minus strand). Cytogenetic location: 19q13.11.
Variant type: single nucleotide variant.
Coding change: c.166C>T on transcript NM_000285.4 (MANE Select); coding-DNA position 166, C replaced by T.
Protein change: p.Arg56Cys; replaces arginine 56 with cysteine.
Molecular consequence: missense variant.
Genome position (GRCh38, 1-based): chr19:33,512,628, G>A on the plus strand (C>T on the coding strand, the complement: PEPD is on the minus strand). VCF-style: chr19-33512628-G-A. GRCh37 (hg19) VCF-style: chr19-34003534-G-A.
Other names: c.166C>T, p.Arg56Cys (NM_001166056.2, NM_001166057.2); short protein forms R56C.
Identifiers: ClinVar variation 1479995 (VCV001479995.5), dbSNP rs1207919311, ClinGen allele CA405233035.
Genomic context (GRCh38, chr19:33,512,628, plus strand): 5'-CTTGTGGCCAAGCGGGGAGGCTCACCTGGCGGAAGAGGACCCCGGTGTCGGTGCAGTAGC[G>A]CTGAGTCTCCTCCCCGCCCTGCAGGACCACGATGGAGCCGGCCTGCACAGCAGGGTTCTT-3'
Protein context (NP_000276.2, residues 46-66): VVLQGGEETQ[Arg56Cys]YCTDTGVLFR

ClinVar aggregate classification (germline): Uncertain significance (1 of 4 stars; one submission).

Allele frequency attached by ClinVar (database versions not stated): gnomAD 0.00002; gnomAD exomes 0.00002; TOPMed 0.00002.
gnomAD v4.1: 28 of 1,613,772 alleles (0.0017%); highest among the groups gnomAD compares: South Asian, 0.0055%; 1 homozygote.

Submission:

Labcorp Genetics (formerly Invitae), Labcorp
Classification: Uncertain significance. Last evaluated: 2022-07-12. Review status: criteria provided, single submitter. Criteria: Invitae Variant Classification Sherloc (09022015). Collection method: clinical testing. Allele origin: germline.
Comment: This sequence change replaces arginine, which is basic and polar, with cysteine, which is neutral and slightly polar, at codon 56 of the PEPD protein (p.Arg56Cys). This variant is present in population databases (no rsID available, gnomAD 0.01%). This variant has not been reported in the literature in individuals affected with PEPD-related conditions. ClinVar contains an entry for this variant (Variation ID: 1479995). Algorithms developed to predict the effect of missense changes on protein structure and function (SIFT, PolyPhen-2, Align-GVGD) all suggest that this variant is likely to be disruptive. In summary, the available evidence is currently insufficient to determine the role of this variant in disease. Therefore, it has been classified as a Variant of Uncertain Significance.